The following is an entry in ClinVar:

ClinVar aggregate classification (germline): Uncertain significance (1 of 4 stars; one submission).

gnomAD v4.1: 3 of 1,612,236 alleles (0.00019%); highest among the groups gnomAD compares: Non-Finnish European, 0.00025%; no homozygotes.

Submission:

Labcorp Genetics (formerly Invitae), Labcorp
Classification: Uncertain significance. Last evaluated: 2025-03-04. Review status: criteria provided, single submitter. Criteria: Invitae Variant Classification Sherloc (09022015). Collection method: clinical testing. Allele origin: germline.
Comment: This sequence change replaces arginine, which is basic and polar, with leucine, which is neutral and non-polar, at codon 1030 of the RIMS1 protein (p.Arg1030Leu). This variant is not present in population databases (gnomAD no frequency). This variant has not been reported in the literature in individuals affected with RIMS1-related conditions. An algorithm developed to predict the effect of missense changes on protein structure and function (PolyPhen-2) suggests that this variant is likely to be disruptive. Algorithms developed to predict the effect of sequence changes on RNA splicing suggest that this variant may disrupt the consensus splice site. In summary, the available evidence is currently insufficient to determine the role of this variant in disease. Therefore, it has been classified as a Variant of Uncertain Significance.

NM_014989.7(RIMS1):c.3089G>T (p.Arg1030Leu)

Gene: RIMS1 (regulating synaptic membrane exocytosis 1; plus strand). Cytogenetic location: 6q13.
Variant type: single nucleotide variant.
Coding change: c.3089G>T on transcript NM_014989.7 (MANE Select); coding-DNA position 3089, G replaced by T.
Protein change: p.Arg1030Leu; replaces arginine 1030 with leucine.
Molecular consequence: missense variant. On other transcripts: intron variant (14).
Genome position (GRCh38, 1-based): chr6:72,260,740, G>T. VCF-style: chr6-72260740-G-T. GRCh37 (hg19) VCF-style: chr6-72970443-G-T.
Other names: c.1508G>T, p.Arg503Leu (NM_001168407.2, NM_001350415.2, NM_001350418.2 and 13 more transcripts); c.1511G>T, p.Arg504Leu (NM_001168408.2, NM_001350414.2, NM_001350416.2 and 10 more transcripts); c.1268G>T, p.Arg423Leu (NM_001168409.2, NM_001350464.2, NM_001350465.2 and 2 more transcripts); c.1466G>T, p.Arg489Leu (NM_001168410.2, NM_001350470.2, NM_001350473.2); c.1439G>T, p.Arg480Leu (NM_001350421.2, NM_001350430.2, NM_001350437.2 and 2 more transcripts); c.1442G>T, p.Arg481Leu (NM_001350424.2, NM_001350428.2, NM_001350459.2 and 1 more transcripts); c.1265G>T, p.Arg422Leu (NM_001350461.2, NM_001350463.2); c.1463G>T, p.Arg488Leu (NM_001350472.2); and 5 more; short protein forms R423L, R1030L, R480L, R481L, R503L, R422L, R488L, R489L.
Identifiers: ClinVar variation 4714343 (VCV004714343.1).